The following is an entry in ClinVar:

ClinVar aggregate classification (germline): Uncertain significance (1 of 4 stars; one submission).

Allele frequency attached by ClinVar (database versions not stated): 1000 Genomes Project 30x 0.00016; 1000 Genomes Project 0.00020.
gnomAD v4.1: 6 of 1,606,240 alleles (0.00037%); highest among the groups gnomAD compares: African/African-American, 0.0081%; no homozygotes.

Submission:

Ambry Genetics
Classification: Uncertain significance. Last evaluated: 2025-12-15. Review status: criteria provided, single submitter. Criteria: Ambry Variant Classification Scheme 2023. Collection method: clinical testing. Allele origin: germline.
Comment: The p.R215G variant (also known as c.643C>G), located in coding exon 5 of the RECQL gene, results from a C to G substitution at nucleotide position 643. The arginine at codon 215 is replaced by glycine, an amino acid with dissimilar properties. This amino acid position is well conserved in available vertebrate species. In addition, this alteration is predicted to be tolerated by in silico analysis. Since supporting evidence is limited at this time, the clinical significance of this alteration remains unclear.

NM_002907.4(RECQL):c.643C>G (p.Arg215Gly)

Gene: RECQL (RecQ like helicase; minus strand). Cytogenetic location: 12p12.1.
Variant type: single nucleotide variant.
Coding change: c.643C>G on transcript NM_002907.4 (MANE Select); coding-DNA position 643, C replaced by G.
Protein change: p.Arg215Gly; replaces arginine 215 with glycine.
Molecular consequence: missense variant.
Genome position (GRCh38, 1-based): chr12:21,483,433, G>C on the plus strand (C>G on the coding strand, the complement: RECQL is on the minus strand). VCF-style: chr12-21483433-G-C. GRCh37 (hg19) VCF-style: chr12-21636367-G-C.
Other names: c.643C>G, p.Arg215Gly (NM_032941.3); short protein forms R215G.
Identifiers: ClinVar variation 1753527 (VCV001753527.3), dbSNP rs376839517, ClinGen allele CA6479021.